The following is an entry in ClinVar:

NM_032242.4(PLXNA1):c.1997C>A (p.Ser666Tyr)

Gene: PLXNA1 (plexin A1; plus strand). Cytogenetic location: 3q21.3.
Variant type: single nucleotide variant.
Coding change: c.1997C>A on transcript NM_032242.4 (MANE Select); coding-DNA position 1997, C replaced by A.
Protein change: p.Ser666Tyr; replaces serine 666 with tyrosine.
Molecular consequence: missense variant.
Genome position (GRCh38, 1-based): chr3:127,006,178, C>A. VCF-style: chr3-127006178-C-A. GRCh37 (hg19) VCF-style: chr3-126725021-C-A.
Other names: short protein forms S666Y.
Identifiers: ClinVar variation 3355255 (VCV003355255.2).
Genomic context (GRCh38, chr3:127,006,178, plus strand): 5'-AGACAGGGAAGAAGTTTGCGTCTGTGGACTTCGTCTTCTACAACTGCAGCGTCCACCAGT[C>A]GTGAGTGTCTCTAGGCCCCTCCGCCCGCCTGGGCCTGGGCTACTTGCCCCACTCCCGTCC-3'
Protein context (NP_115618.3, residues 656-676): FVFYNCSVHQ[Ser666Tyr]CLSCVNGSFP

ClinVar aggregate classification (germline): Uncertain significance (1 of 4 stars; one submission).

Conditions:
PLXNA1-related disorder. Also called: PLXNA1-related condition.

gnomAD v4.1: 10 of 1,612,052 alleles (0.00062%); highest among the groups gnomAD compares: Admixed American, 0.005%; no homozygotes.

Submission:

PreventionGenetics, part of Exact Sciences
Classification: Uncertain significance for PLXNA1-related condition. Last evaluated: 2025-02-08. Review status: criteria provided, single submitter. Criteria: ACMG Guidelines, 2015. Collection method: clinical testing. Allele origin: germline.
Comment: The PLXNA1 c.1997C>A variant is predicted to result in the amino acid substitution p.Ser666Tyr. To our knowledge, this variant has not been reported in the literature. This variant is reported in 0.0058% of alleles in individuals of Latino descent in gnomAD. At this time, the clinical significance of this variant is uncertain due to the absence of conclusive functional and genetic evidence.